The following is an entry in ClinVar:

NM_001201550.3(CFHR4):c.1140A>G (p.Thr380=)

Gene: CFHR4 (complement factor H related 4; plus strand). Cytogenetic location: 1q31.3.
Variant type: single nucleotide variant.
Coding change: c.1140A>G on transcript NM_001201550.3 (MANE Select); coding-DNA position 1140, A replaced by G.
Protein change: p.Thr380=; no amino-acid change (threonine 380 retained).
Molecular consequence: synonymous variant.
Genome position (GRCh38, 1-based): chr1:196,912,882, A>G. VCF-style: chr1-196912882-A-G. GRCh37 (hg19) VCF-style: chr1-196882012-A-G.
Other names: p.Thr379=; c.1137A>G, p.Thr379= (NM_001201551.2); c.399A>G, p.Thr133= (NM_006684.5).
Identifiers: ClinVar variation 4683999 (VCV004683999.1).

ClinVar aggregate classification (germline): Likely benign (1 of 4 stars; one submission).

gnomAD v4.1: 17 of 1,611,640 alleles (0.0011%); highest among the groups gnomAD compares: Admixed American, 0.012%; no homozygotes.

Submission:

Mayo Clinic Laboratories, Mayo Clinic
Classification: Likely benign. Last evaluated: 2025-03-30. Review status: criteria provided, single submitter. Criteria: ACMG Guidelines, 2015. Collection method: clinical testing. Allele origin: germline. Observed: 1 variant allele.
Comment: BP4, BP7